The following is an entry in ClinVar:

NM_182914.3(SYNE2):c.772T>G (p.Leu258Val)

Gene: SYNE2 (spectrin repeat containing nuclear envelope protein 2; plus strand). Cytogenetic location: 14q23.2.
Variant type: single nucleotide variant.
Coding change: c.772T>G on transcript NM_182914.3 (MANE Select); coding-DNA position 772, T replaced by G.
Protein change: p.Leu258Val; replaces leucine 258 with valine.
Molecular consequence: missense variant.
Genome position (GRCh38, 1-based): chr14:63,954,900, T>G. VCF-style: chr14-63954900-T-G. GRCh37 (hg19) VCF-style: chr14-64421618-T-G.
Other names: c.772T>G, p.Leu258Val (NM_015180.6); short protein forms L258V.
Identifiers: ClinVar variation 1371994 (VCV001371994.6), dbSNP rs935787094, ClinGen allele CA389943094.

ClinVar aggregate classification (germline): Uncertain significance (1 of 4 stars; one submission).

Conditions:
Emery-Dreifuss muscular dystrophy 5, autosomal dominant (EDMD5). Also called: EMERY-DREIFUSS MUSCULAR DYSTROPHY 5. Identifiers: Orphanet 261, MedGen C2751805, MONDO:0013072, OMIM 612999.

Submission:

Labcorp Genetics (formerly Invitae), Labcorp
Classification: Uncertain significance for Emery-Dreifuss muscular dystrophy 5, autosomal dominant. Last evaluated: 2021-08-03. Review status: criteria provided, single submitter. Criteria: Invitae Variant Classification Sherloc (09022015). Collection method: clinical testing. Allele origin: germline.
Comment: In summary, the available evidence is currently insufficient to determine the role of this variant in disease. Therefore, it has been classified as a Variant of Uncertain Significance. Algorithms developed to predict the effect of missense changes on protein structure and function are either unavailable or do not agree on the potential impact of this missense change (SIFT: "Deleterious"; PolyPhen-2: "Possibly Damaging"; Align-GVGD: "Class C0"). This variant has not been reported in the literature in individuals affected with SYNE2-related conditions. This variant is not present in population databases (ExAC no frequency). This sequence change replaces leucine with valine at codon 258 of the SYNE2 protein (p.Leu258Val). The leucine residue is moderately conserved and there is a small physicochemical difference between leucine and valine.